The following is an entry in ClinVar:

ClinVar aggregate classification (germline): Uncertain significance (1 of 4 stars; one submission).

Submission:

Women's Health and Genetics/Laboratory Corporation of America, LabCorp
Classification: Uncertain significance. Last evaluated: 2024-10-15. Review status: criteria provided, single submitter. Criteria: LabCorp Variant Classification Summary - May 2015. Collection method: clinical testing. Allele origin: germline.
Comment: Variant summary: BRD4 c.2308C>T (p.Pro770Ser) results in a non-conservative amino acid change in the encoded protein sequence. Four of five in-silico tools predict a benign effect of the variant on protein function. The variant was absent in 149858 control chromosomes. The available data on variant occurrences in the general population are insufficient to allow any conclusion about variant significance. To our knowledge, no occurrence of c.2308C>T in individuals affected with Cornelia De Lange Syndrome 6 and no experimental evidence demonstrating its impact on protein function have been reported. No submitters have cited clinical-significance assessments for this variant to ClinVar. Based on the evidence outlined above, the variant was classified as uncertain significance.

NM_001379291.1(BRD4):c.2308C>T (p.Pro770Ser)

Gene: BRD4 (bromodomain containing 4; minus strand). Cytogenetic location: 19p13.12.
Variant type: single nucleotide variant.
Coding change: c.2308C>T on transcript NM_001379291.1 (MANE Select); coding-DNA position 2308, C replaced by T.
Protein change: p.Pro770Ser; replaces proline 770 with serine.
Molecular consequence: missense variant.
Genome position (GRCh38, 1-based): chr19:15,244,504, G>A on the plus strand (C>T on the coding strand, the complement: BRD4 is on the minus strand). VCF-style: chr19-15244504-G-A. GRCh37 (hg19) VCF-style: chr19-15355315-G-A.
Other names: c.2308C>T, p.Pro770Ser (NM_058243.3); short protein forms P770S.
Identifiers: ClinVar variation 3385305 (VCV003385305.1).